The following is an entry in ClinVar:

NM_004714.3(DYRK1B):c.526C>A (p.Leu176Met)

Gene: DYRK1B (dual specificity tyrosine phosphorylation regulated kinase 1B; minus strand). Cytogenetic location: 19q13.2.
Variant type: single nucleotide variant.
Coding change: c.526C>A on transcript NM_004714.3 (MANE Select); coding-DNA position 526, C replaced by A.
Protein change: p.Leu176Met; replaces leucine 176 with methionine.
Molecular consequence: missense variant.
Genome position (GRCh38, 1-based): chr19:39,828,578, G>T on the plus strand (C>A on the coding strand, the complement: DYRK1B is on the minus strand). VCF-style: chr19-39828578-G-T. GRCh37 (hg19) VCF-style: chr19-40319218-G-T.
Other names: c.526C>A, p.Leu176Met (NM_006483.3, NM_006484.3); short protein forms L176M.
Identifiers: ClinVar variation 3353112 (VCV003353112.1).

ClinVar aggregate classification (germline): Uncertain significance (0 of 4 stars; one submission).

Conditions:
DYRK1B-related disorder. Also called: DYRK1B-related condition.

gnomAD v4.1: 63 of 1,606,066 alleles (0.0039%); highest among the groups gnomAD compares: South Asian, 0.063%; no homozygotes.

Submission:

PreventionGenetics, part of Exact Sciences
Classification: Uncertain significance for DYRK1B-related condition. Last evaluated: 2024-06-20. Review status: no assertion criteria provided. Collection method: clinical testing. Allele origin: germline.
Comment: The DYRK1B c.526C>A variant is predicted to result in the amino acid substitution p.Leu176Met. To our knowledge, this variant has not been reported in the literature. This variant is reported in 0.047% of alleles in individuals of South Asian descent in gnomAD. Although we suspect that this variant may be benign, at this time, the clinical significance of this variant is uncertain due to the absence of conclusive functional and genetic evidence.